The following is an entry in ClinVar:

ClinVar aggregate classification (germline): Conflicting classifications of pathogenicity. Review status: criteria provided, conflicting classifications (1 of 4 stars). 6 submissions from 5 submitters: Uncertain significance (4); Likely benign (2). Last evaluated 2026-01-06.

Conditions:
Autosomal recessive ataxia, Beauce type. Also called: Spinocerebellar ataxia, autosomal recessive 8; ATAXIA, RECESSIVE, OF BEAUCE; SYNE1 Deficiency; SYNE1-Related Autosomal Recessive Cerebellar Ataxia. Identifiers: Orphanet 88644, MedGen C1853116, MONDO:0012549, OMIM 610743.
Emery-Dreifuss muscular dystrophy 4, autosomal dominant (EDMD4). Also called: EMERY-DREIFUSS MUSCULAR DYSTROPHY 4 WITH VARIABLE FEATURES. Identifiers: Orphanet 261, MedGen C2751807, MONDO:0013071, OMIM 612998.

Allele frequency attached by ClinVar (database versions not stated): gnomAD 0.00007; ESP Exome Variant Server 0.00008; gnomAD exomes 0.00008 and 0.00021; ExAC 0.00016; TOPMed 0.00017.
gnomAD v4.1: 140 of 1,614,026 alleles (0.0087%); highest among the groups gnomAD compares: Admixed American, 0.028%; no homozygotes.

Submissions (6):

Labcorp Genetics (formerly Invitae), Labcorp
Classification: Likely benign for Emery-Dreifuss muscular dystrophy 4, autosomal dominant; Autosomal recessive ataxia, Beauce type. Last evaluated: 2026-01-06. Review status: criteria provided, single submitter. Criteria: Invitae Variant Classification Sherloc (09022015). Collection method: clinical testing. Allele origin: germline.

GeneDx
Classification: Uncertain significance. Last evaluated: 2022-10-27. Review status: criteria provided, single submitter. Criteria: GeneDx Variant Classification Process June 2021. Collection method: clinical testing. Allele origin: germline. Affected: yes.
Comment: In silico analysis supports that this missense variant has a deleterious effect on protein structure/function; Has not been previously published as pathogenic or benign to our knowledge

Illumina Laboratory Services, Illumina
Classification: Likely benign for Emery-Dreifuss muscular dystrophy 4, autosomal dominant. Last evaluated: 2018-01-12. Review status: criteria provided, single submitter. Criteria: ICSL Variant Classification Criteria 13 December 2019. Collection method: clinical testing. Allele origin: germline.
Comment: This variant was observed in the ICSL laboratory as part of a predisposition screen in an ostensibly healthy population. It had not been previously curated by ICSL or reported in the Human Gene Mutation Database (HGMD: prior to June 1st, 2018), and was therefore a candidate for classification through an automated scoring system. Utilizing variant allele frequency, disease prevalence and penetrance estimates, and inheritance mode, an automated score was calculated to assess if this variant is too frequent to cause the disease. Based on the score and internal cut-off values, a variant classified as likely benign is not then subjected to further curation. The score for this variant resulted in a classification of likely benign for this disease.

Illumina Laboratory Services, Illumina
Classification: Uncertain significance for Autosomal recessive ataxia, Beauce type. Last evaluated: 2018-01-12. Review status: criteria provided, single submitter. Criteria: ICSL Variant Classification Criteria 13 December 2019. Collection method: clinical testing. Allele origin: germline.

Eurofins Ntd Llc (ga)
Classification: Uncertain significance. Last evaluated: 2016-10-28. Review status: criteria provided, single submitter. Criteria: EGL Classification Definitions 2015. Collection method: clinical testing. Allele origin: germline. Observed: 2 variant alleles, 2 heterozygotes.

Athena Diagnostics
Classification: Uncertain significance. Last evaluated: 2016-08-31. Review status: criteria provided, single submitter. Criteria: Athena Diagnostics Criteria. Collection method: clinical testing. Allele origin: germline.

NM_182961.4(SYNE1):c.18662C>T (p.Thr6221Ile)

Gene: SYNE1 (spectrin repeat containing nuclear envelope protein 1; minus strand). Cytogenetic location: 6q25.2.
Variant type: single nucleotide variant.
Coding change: c.18662C>T on transcript NM_182961.4 (MANE Select); coding-DNA position 18662, C replaced by T.
Protein change: p.Thr6221Ile; replaces threonine 6221 with isoleucine.
Molecular consequence: missense variant.
Genome position (GRCh38, 1-based): chr6:152,269,198, G>A on the plus strand (C>T on the coding strand, the complement: SYNE1 is on the minus strand). VCF-style: chr6-152269198-G-A. GRCh37 (hg19) VCF-style: chr6-152590333-G-A.
Other names: c.18449C>T, p.Thr6150Ile (NM_033071.5); short protein forms T6150I, T6221I.
Identifiers: ClinVar variation 288953 (VCV000288953.20), dbSNP rs150335599, ClinGen allele CA4054896.